The following is an entry in ClinVar:

NM_001035.3(RYR2):c.6981G>A (p.Arg2327=)

Gene: RYR2 (ryanodine receptor 2; plus strand). Cytogenetic location: 1q43.
Variant type: single nucleotide variant.
Coding change: c.6981G>A on transcript NM_001035.3 (MANE Select); coding-DNA position 6981, G replaced by A.
Protein change: p.Arg2327=; no amino-acid change (arginine 2327 retained).
Molecular consequence: synonymous variant.
Genome position (GRCh38, 1-based): chr1:237,639,067, G>A. VCF-style: chr1-237639067-G-A. GRCh37 (hg19) VCF-style: chr1-237802367-G-A.
Identifiers: ClinVar variation 919732 (VCV000919732.14), dbSNP rs1198957149, ClinGen allele CA423819020.
Genomic context (GRCh38, chr1:237,639,067, plus strand): 5'-TACTTTAGGGGAGAGTGTGGAGGAAAATGCAAATGTCGTGGTGAGATTGCTCATTCGGAG[G>A]CCTGAGTGTTTTGGTCCTGCTTTGAGAGGAGAAGGTGGGAATGGGCTTCTTGCAGCAATG-3'
Protein context (NP_001026.2, residues 2317-2337): ANVVVRLLIR[Arg2327=]PECFGPALRG

ClinVar aggregate classification (germline): Likely benign. Review status: criteria provided, multiple submitters, no conflicts (2 of 4 stars). 4 submissions from 4 submitters: Likely benign (4). Last evaluated 2025-01-28.

Conditions:
Catecholaminergic polymorphic ventricular tachycardia 1. Also called: RYR2-Related Catecholaminergic Polymorphic Ventricular Tachycardia; VENTRICULAR TACHYCARDIA, STRESS-INDUCED POLYMORPHIC 1; VENTRICULAR TACHYCARDIA, CATECHOLAMINERGIC POLYMORPHIC, 1, WITH OR WITHOUT ATRIAL DYSFUNCTION AND/OR DILATED CARDIOMYOPATHY. Identifiers: Orphanet 3286, MedGen C1631597, MONDO:0011484, OMIM 604772.
Cardiomyopathy (CMYO). Also called: Cardiomyopathies. Identifiers: Orphanet 167848, MedGen C0878544, MONDO:0004994, HP:0001638. Inheritance: Various modes of inheritance.
Catecholaminergic polymorphic ventricular tachycardia (CVPT). Also called: Catecholamine-induced polymorphic ventricular tachycardia. Identifiers: Orphanet 3286, MedGen C5574922, MONDO:0017990.

Allele frequency attached by ClinVar (database versions not stated): gnomAD 0.00001.
gnomAD v4.1: 2 of 1,613,750 alleles (0.00012%); highest among the groups gnomAD compares: East Asian, 0.0022%; no homozygotes.

Submissions (4):

Labcorp Genetics (formerly Invitae), Labcorp
Classification: Likely benign for Catecholaminergic polymorphic ventricular tachycardia 1. Last evaluated: 2025-01-28. Review status: criteria provided, single submitter. Criteria: Invitae Variant Classification Sherloc (09022015). Collection method: clinical testing. Allele origin: germline.

All of Us Research Program, National Institutes of Health
Classification: Likely benign for Catecholaminergic polymorphic ventricular tachycardia. Last evaluated: 2024-05-24. Review status: criteria provided, single submitter. Criteria: ACMG Guidelines, 2015. Collection method: clinical testing. Allele origin: germline. Inheritance: Autosomal dominant inheritance. Observed: 1 variant allele, 1 heterozygote.
Comment: This study involves interpretation of variants in research participants for the purpose of population health screening. Participant phenotype was not available at the time of variant classification. Additional details can be found in publication PMID: 35346344, PMCID: PMC8962531

Blueprint Genetics
Classification: Likely benign. Last evaluated: 2023-09-18. Review status: criteria provided, single submitter. Criteria: ACMG Guidelines, 2015. Collection method: clinical testing. Allele origin: germline.

Color Diagnostics, LLC DBA Color Health
Classification: Likely benign for Cardiomyopathy. Last evaluated: 2019-12-09. Review status: criteria provided, single submitter. Criteria: ACMG Guidelines, 2015. Collection method: clinical testing. Allele origin: germline.